The following is an entry in ClinVar:

ClinVar aggregate classification (germline): Uncertain significance. Review status: criteria provided, multiple submitters, no conflicts (2 of 4 stars). 2 submissions from 2 submitters: Uncertain significance (2). Last evaluated 2024-10-07.

Conditions:
Oligodontia-cancer predisposition syndrome. Also called: TOOTH AGENESIS-COLORECTAL CANCER SYNDROME. Identifiers: Orphanet 300576, MedGen C1837750, MONDO:0012075, OMIM 608615. Disease mechanism: loss of function.
Hereditary cancer-predisposing syndrome. Also called: Neoplastic Syndromes, Hereditary; Tumor predisposition; Hereditary neoplastic syndrome; Hereditary Cancer Syndrome. Identifiers: Orphanet 140162, MedGen C0027672, MeSH D009386, MONDO:0015356.

Allele frequency attached by ClinVar (database versions not stated): gnomAD exomes below 0.00001; ExAC 0.00001.
gnomAD v4.1: 2 of 1,607,106 alleles (0.00012%); highest among the groups gnomAD compares: South Asian, 0.0022%; no homozygotes.

Submissions (2):

Labcorp Genetics (formerly Invitae), Labcorp
Classification: Uncertain significance for Oligodontia-cancer predisposition syndrome. Last evaluated: 2024-10-07. Review status: criteria provided, single submitter. Criteria: Invitae Variant Classification Sherloc (09022015). Collection method: clinical testing. Allele origin: germline.
Comment: This sequence change replaces threonine, which is neutral and polar, with isoleucine, which is neutral and non-polar, at codon 577 of the AXIN2 protein (p.Thr577Ile). The frequency data for this variant in the population databases is considered unreliable, as metrics indicate poor data quality at this position in the gnomAD database. This variant has not been reported in the literature in individuals affected with AXIN2-related conditions. ClinVar contains an entry for this variant (Variation ID: 579603). Invitae Evidence Modeling of protein sequence and biophysical properties (such as structural, functional, and spatial information, amino acid conservation, physicochemical variation, residue mobility, and thermodynamic stability) indicates that this missense variant is not expected to disrupt AXIN2 protein function with a negative predictive value of 80%. In summary, the available evidence is currently insufficient to determine the role of this variant in disease. Therefore, it has been classified as a Variant of Uncertain Significance.

Ambry Genetics
Classification: Uncertain significance for Hereditary cancer-predisposing syndrome. Last evaluated: 2024-07-17. Review status: criteria provided, single submitter. Criteria: Ambry Variant Classification Scheme 2023. Collection method: clinical testing. Allele origin: germline.
Comment: The p.T577I variant (also known as c.1730C>T), located in coding exon 6 of the AXIN2 gene, results from a C to T substitution at nucleotide position 1730. The threonine at codon 577 is replaced by isoleucine, an amino acid with similar properties. This amino acid position is conserved. In addition, this alteration is predicted to be tolerated by in silico analysis. Based on the available evidence, the clinical significance of this variant remains unclear.

NM_004655.4(AXIN2):c.1730C>T (p.Thr577Ile)

Gene: AXIN2 (axin 2; minus strand). Cytogenetic location: 17q24.1.
Variant type: single nucleotide variant.
Coding change: c.1730C>T on transcript NM_004655.4 (MANE Select); coding-DNA position 1730, C replaced by T.
Protein change: p.Thr577Ile; replaces threonine 577 with isoleucine.
Molecular consequence: missense variant. On other transcripts: intron variant (1).
Genome position (GRCh38, 1-based): chr17:65,537,046, G>A on the plus strand (C>T on the coding strand, the complement: AXIN2 is on the minus strand). VCF-style: chr17-65537046-G-A. GRCh37 (hg19) VCF-style: chr17-63533164-G-A.
Other names: c.1730C>T (LRG_296t1); c.1712+278C>T (NM_001363813.1); short protein forms T577I.
Identifiers: ClinVar variation 579603 (VCV000579603.9), dbSNP rs760939811, ClinGen allele CA8718543.